The following is an entry in ClinVar:

NM_000152.5(GAA):c.1755-1G>A

Gene: GAA (alpha glucosidase; plus strand). Cytogenetic location: 17q25.3.
Variant type: single nucleotide variant.
Coding change: c.1755-1G>A on transcript NM_000152.5 (MANE Select); the canonical splice acceptor site of the intron before coding-DNA position 1755, G replaced by A.
Molecular consequence: splice acceptor variant.
Genome position (GRCh38, 1-based): chr17:80,112,577, G>A. VCF-style: chr17-80112577-G-A. GRCh37 (hg19) VCF-style: chr17-78086376-G-A.
Other names: c.1755-1G>A (NM_001406741.1, NM_001406742.1, NM_001079803.3 and 1 more transcripts).
Identifiers: ClinVar variation 849168 (VCV000849168.12), dbSNP rs2039261208, ClinGen allele CA401369253.

ClinVar aggregate classification (germline): Pathogenic/Likely pathogenic. Review status: criteria provided, multiple submitters, no conflicts (2 of 4 stars). 3 submissions from 3 submitters: Pathogenic (2); Likely pathogenic (1). Last evaluated 2026-07-01.

Conditions:
Glycogen storage disease, type II (IOPD). Also called: Glycogen storage disease type 2; Acid maltase deficiency disease; Aglucosidase alfa; Deficiency of alpha-glucosidase; Deficiency of lysosomal alpha-glucosidase; POMPE DISEASE, INFANTILE-ONSET. Identifiers: Orphanet 365, MedGen C0017921, MONDO:0009290, OMIM 232300.

Submissions (3):

Genomenon, Inc
Classification: Pathogenic for Glycogen storage disease, type II. Last evaluated: 2026-07-01. Review status: criteria provided, single submitter. Criteria: Genomenon Sequence Variant Interpretation Standards - Updated. Collection method: curation. Allele origin: germline. Affected: yes.
Comment: GAA c.1755-1G>A is a canonical splice variant affecting the acceptor splice site of intron 12. It is predicted to affect mRNA splicing, leading to a deleterious effect on the GAA protein. This variant has been observed in at least one proband with a GAA-related disorder (PMID:32064362;17056254). It is absent or not present at a significant frequency in gnomAD. In conclusion, we classify GAA c.1755-1G>A as a pathogenic variant.

Fulgent Genetics
Classification: Likely pathogenic for Glycogen storage disease, type II. Last evaluated: 2024-05-29. Review status: criteria provided, single submitter. Criteria: ACMG Guidelines, 2015. Collection method: clinical testing. Allele origin: germline.

Labcorp Genetics (formerly Invitae), Labcorp
Classification: Pathogenic for Glycogen storage disease, type II. Last evaluated: 2023-05-15. Review status: criteria provided, single submitter. Criteria: Invitae Variant Classification Sherloc (09022015). Collection method: clinical testing. Allele origin: germline.
Comment: For these reasons, this variant has been classified as Pathogenic. Algorithms developed to predict the effect of sequence changes on RNA splicing suggest that this variant may disrupt the consensus splice site. ClinVar contains an entry for this variant (Variation ID: 849168). Disruption of this splice site has been observed in individual(s) with Pompe disease (PMID: 17056254). In at least one individual the data is consistent with being in trans (on the opposite chromosome) from a pathogenic variant. This variant is not present in population databases (gnomAD no frequency). This sequence change affects an acceptor splice site in intron 12 of the GAA gene. It is expected to disrupt RNA splicing. Variants that disrupt the donor or acceptor splice site typically lead to a loss of protein function (PMID: 16199547), and loss-of-function variants in GAA are known to be pathogenic (PMID: 18425781, 22252923).

Literature cited by the submitters: PubMed 32064362 (cited by Genomenon, Inc); PubMed 17056254 (cited by Genomenon, Inc and Labcorp Genetics (formerly Invitae), Labcorp); PubMed 16199547 (cited by Labcorp Genetics (formerly Invitae), Labcorp); PubMed 18425781 (cited by Labcorp Genetics (formerly Invitae), Labcorp); PubMed 22252923 (cited by Labcorp Genetics (formerly Invitae), Labcorp).